The following is an entry in ClinVar:

NM_000478.6(ALPL):c.110T>C (p.Leu37Pro)

Gene: ALPL (alkaline phosphatase, biomineralization associated; plus strand). Cytogenetic location: 1p36.12.
Variant type: single nucleotide variant.
Coding change: c.110T>C on transcript NM_000478.6 (MANE Select); coding-DNA position 110, T replaced by C.
Protein change: p.Leu37Pro; replaces leucine 37 with proline.
Molecular consequence: missense variant. On other transcripts: 5 prime UTR variant (2).
Genome position (GRCh38, 1-based): chr1:21,560,674, T>C. VCF-style: chr1-21560674-T-C. GRCh37 (hg19) VCF-style: chr1-21887167-T-C.
Other names: c.-56T>C (NM_001127501.4); c.-6T>C (NM_001177520.3); c.110T>C, p.Leu37Pro (NM_001369803.2, NM_001369804.2, NM_001369805.2); c.110T>C (NM_000478.5); short protein forms L37P.
Identifiers: ClinVar variation 2202712 (VCV002202712.9), dbSNP rs143358506, ClinGen allele CA19088076.
Genomic context (GRCh38, chr1:21,560,674, plus strand): 5'-CTCTGTGTTTAGAGAAAGAGAAAGACCCCAAGTACTGGCGAGACCAAGCGCAAGAGACAC[T>C]GAAATATGCCCTGGAGCTTCAGAAGCTCAACACCAACGTGGCTAAGAATGTCATCATGTT-3'
Protein context (NP_000469.3, residues 27-47): KYWRDQAQET[Leu37Pro]KYALELQKLN

ClinVar aggregate classification (germline): Pathogenic/Likely pathogenic. Review status: criteria provided, multiple submitters, no conflicts (2 of 4 stars). 6 submissions from 6 submitters: Pathogenic (1); Likely pathogenic (4). 1 of the submissions does not count toward it. Last evaluated 2026-03-10.

Conditions:
ALPL-related disorder. Also called: ALPL-related disorders; ALPL-related condition.
Hypophosphatasia. Also called: Phosphoethanol-aminuria. Identifiers: Orphanet 436, MedGen C0020630, MeSH D007014, MONDO:0018570.
Adult hypophosphatasia. Identifiers: Orphanet 247676, Orphanet 436, MedGen C0268413, MONDO:1010154, OMIM 146300, MONDO:0007798.

Allele frequency attached by ClinVar (database versions not stated): TOPMed below 0.00001; gnomAD 0.00001; gnomAD exomes 0.00001; ESP Exome Variant Server 0.00008.
gnomAD v4.1: 7 of 1,613,974 alleles (0.00043%); highest among the groups gnomAD compares: Non-Finnish European, 0.00059%; no homozygotes.

Submissions (6):

Clinical Biomedical Laboratory, Shriners Hospital For Children - Canada
Classification: Likely pathogenic for Adult hypophosphatasia. Last evaluated: 2026-03-10. Review status: criteria provided, single submitter. Criteria: ACMG Guidelines, 2015. Collection method: clinical testing. Allele origin: germline. Affected: yes.
Comment: This variant has been reported previously (PMID: 31146036). In the Genome Aggregation Database (v.2.1.1) database the allele frequency for this variant is very low. Computational tools (REVEL 0.94) suggest that the amino acid change is detrimental to protein function. Based on the ACMG variant interpretation guidelines, the available evidence supports classification of this variant as likely pathogenic.

Natera, Inc.
Classification: Likely pathogenic for Hypophosphatasia. Last evaluated: 2025-11-26. Review status: criteria provided, single submitter. Criteria: Natera Variant Classification Schema (03/2026). Collection method: clinical testing. Allele origin: germline.
Comment: The c.110T>C variant in ALPL is a missense variant predicted to cause substitution of leucine to proline at amino acid 37. This variant is rare in the general population with a frequency below the threshold expected for the associated phenotype(s). This variant has been observed in one or more individuals affected with the associated recessive disease, as either homozygous or compound heterozygous with a second variant (PMID: 32973344, 31146036). Functional studies show that this variant may disrupt protein function (PMID: 31146036). Computational prediction algorithms indicate this variant is likely to affect gene or protein function. Given the available evidence, this variant is classified as Likely Pathogenic.

Genomenon, Inc
Classification: Pathogenic for Hypophosphatasia. Last evaluated: 2025-08-29. Review status: criteria provided, single submitter. Criteria: Genomenon Sequence Variant Interpretation Standards. Collection method: curation. Allele origin: germline. Affected: yes.
Comment: ALPL c.110T>C is a missense variant that changes the amino acid at residue 37 from Leucine to Proline. This variant has been observed in at least one proband affected with hypophosphatasia (PMID:32160374;31146036). This variant has been observed in trans with a pathogenic variant (PMID:31146036). At least one functional study has demonstrated a substantial alteration in protein function relative to the wild-type (PMID:31146036). It is absent or not present at a significant frequency in gnomAD. In silico models agree that this variant is possibly or probably damaging. In conclusion, we classify ALPL p.Leu37Pro (c.110T>C) as a pathogenic variant.

Labcorp Genetics (formerly Invitae), Labcorp
Classification: Likely pathogenic. Last evaluated: 2024-08-18. Review status: criteria provided, single submitter. Criteria: Invitae Variant Classification Sherloc (09022015). Collection method: clinical testing. Allele origin: germline.
Comment: This sequence change replaces leucine, which is neutral and non-polar, with proline, which is neutral and non-polar, at codon 37 of the ALPL protein (p.Leu37Pro). This variant is present in population databases (rs143358506, gnomAD 0.0009%). This missense change has been observed in individual(s) with autosomal recessive hypophosphatasia (PMID: 31146036, 32160374). ClinVar contains an entry for this variant (Variation ID: 2202712). Invitae Evidence Modeling of protein sequence and biophysical properties (such as structural, functional, and spatial information, amino acid conservation, physicochemical variation, residue mobility, and thermodynamic stability) indicates that this missense variant is expected to disrupt ALPL protein function with a positive predictive value of 95%. Experimental studies have shown that this missense change affects ALPL function (PMID: 31146036). In summary, the currently available evidence indicates that the variant is pathogenic, but additional data are needed to prove that conclusively. Therefore, this variant has been classified as Likely Pathogenic.

Baylor Genetics
Classification: Likely pathogenic for Adult hypophosphatasia. Last evaluated: 2023-07-20. Review status: criteria provided, single submitter. Criteria: ACMG Guidelines, 2015. Collection method: clinical testing. Allele origin: unknown.

PreventionGenetics, part of Exact Sciences
Classification: Likely pathogenic for ALPL-related condition. Last evaluated: 2024-05-13. Review status: no assertion criteria provided. Collection method: clinical testing. Allele origin: germline. Not counted in ClinVar's aggregate classification.
Comment: The ALPL c.110T>C variant is predicted to result in the amino acid substitution p.Leu37Pro. This variant has been reported in the homozygous and compound heterozygous states in two individuals with severe perinatal hypophosphatasia (Uday et al. 2019. PubMed ID: 31146036; Del Angel et al. 2020. PubMed ID: 32160374). In vitro studies have demonstrated that this variant leads to a total loss of alkaline phosphatase activity (Uday et al. 2019. PubMed ID: 31146036). This variant is reported in 0.0018% of alleles in individuals of European (Non-Finnish) descent in gnomAD. Taken together, this variant is interpreted as likely pathogenic.

Literature cited by the submitters: PubMed 31146036 (cited by 4 submitters); PubMed 32973344 (cited by Natera, Inc.); PubMed 32160374 (cited by Genomenon, Inc and Labcorp Genetics (formerly Invitae), Labcorp).